The following is an entry in ClinVar:

ClinVar aggregate classification (germline): Uncertain significance (1 of 4 stars; one submission).

Conditions:
MELAS syndrome (MELAS). Also called: Juvenile myopathy, encephalopathy, lactic acidosis, stroke. Identifiers: Orphanet 550, MedGen C0162671, MONDO:0010789, OMIM 540000.

Submission:

Wong Mito Lab, Molecular and Human Genetics, Baylor College of Medicine
Classification: Uncertain significance for MELAS syndrome. Last evaluated: 2019-07-12. Review status: criteria provided, single submitter. Criteria: Modified ACMG Guidelines (Unpublished). Collection method: clinical testing. Allele origin: germline.
Comment: The NC_012920.1:m.5840C>A variant in MT-TY gene is interpreted to be a Unknown Significance variant based on the modified ACMG guidelines (unpublished). This variant meets the following evidence codes reported in the guidelines: PM9, PP6, BP5

Literature cited by the submitters: PubMed 31965079.

NC_012920.1(MT-TY):m.5840C>A

Gene: MT-TY (mitochondrially encoded tRNA tyrosine; minus strand).
Variant type: single nucleotide variant.
Genome position: chrM-5840-C-A.
Identifiers: ClinVar variation 690012 (VCV000690012.1), dbSNP rs1603220149, ClinGen allele CA913180626.